The following is an entry in ClinVar:

NM_000179.3(MSH6):c.3560A>G (p.Glu1187Gly)

Gene: MSH6 (mutS homolog 6; plus strand). Cytogenetic location: 2p16.3.
Variant type: single nucleotide variant.
Coding change: c.3560A>G on transcript NM_000179.3 (MANE Select); coding-DNA position 3560, A replaced by G.
Protein change: p.Glu1187Gly; replaces glutamic acid 1187 with glycine.
Molecular consequence: missense variant.
Genome position (GRCh38, 1-based): chr2:47,805,621, A>G. VCF-style: chr2-47805621-A-G. GRCh37 (hg19) VCF-style: chr2-48032760-A-G.
Other names: c.3170A>G, p.Glu1057Gly (NM_001281492.2); c.2654A>G, p.Glu885Gly (NM_001281493.2, NM_001281494.2); short protein forms E1187G, E1057G, E885G.
Identifiers: ClinVar variation 410492 (VCV000410492.30), dbSNP rs150632241, ClinGen allele CA071386.

ClinVar aggregate classification (germline): Conflicting classifications of pathogenicity. Review status: criteria provided, conflicting classifications (1 of 4 stars). 9 submissions from 9 submitters: Uncertain significance (6); Likely benign (2). 1 of the submissions does not count toward it. Last evaluated 2026-01-12.

Conditions:
Lynch syndrome. Identifiers: Orphanet 144, MedGen C4552100, MONDO:0005835. Disease mechanism: loss of function.
Hereditary cancer-predisposing syndrome. Also called: Tumor predisposition; Hereditary Cancer Syndrome; Hereditary neoplastic syndrome; Neoplastic Syndromes, Hereditary. Identifiers: Orphanet 140162, MedGen C0027672, MeSH D009386, MONDO:0015356.
Lynch syndrome 5 (LYNCH5). Also called: Hereditary non-polyposis colorectal cancer, type 5; Colorectal cancer, hereditary nonpolyposis, type 5. Identifiers: Orphanet 144, MedGen C1833477, MONDO:0013710, OMIM 614350. Disease mechanism: loss of function.
MSH6-related disorder. Also called: MSH6-related condition; MSH6-Related disorders.
Hereditary nonpolyposis colorectal neoplasms. Identifiers: MedGen C0009405, MeSH D003123.

Allele frequency attached by ClinVar (database versions not stated): TOPMed below 0.00001; ExAC 0.00001; gnomAD 0.00001; gnomAD exomes 0.00001; ESP Exome Variant Server 0.00008.
gnomAD v4.1: 7 of 1,606,404 alleles (0.00044%); highest among the groups gnomAD compares: Non-Finnish European, 0.0006%; no homozygotes.

Submissions (9):

Labcorp Genetics (formerly Invitae), Labcorp
Classification: Likely benign for Hereditary nonpolyposis colorectal neoplasms. Last evaluated: 2026-01-12. Review status: criteria provided, single submitter. Criteria: Invitae Variant Classification Sherloc (09022015). Collection method: clinical testing. Allele origin: germline.

Color Diagnostics, LLC DBA Color Health
Classification: Uncertain significance for Hereditary cancer-predisposing syndrome. Last evaluated: 2025-08-13. Review status: criteria provided, single submitter. Criteria: ACMG Guidelines, 2015. Collection method: clinical testing. Allele origin: germline.
Comment: This missense variant replaces glutamic acid with glycine at codon 1187 of the MSH6 protein. Computational prediction suggests that this variant may have deleterious impact on protein structure and function. To our knowledge, functional studies have not been reported for this variant. This variant has not been reported in individuals affected with MSH6-related disorders in the literature. This variant has been identified in 3/250666 chromosomes in the general population by the Genome Aggregation Database (gnomAD). The available evidence is insufficient to determine the role of this variant in disease conclusively. Therefore, this variant is classified as a Variant of Uncertain Significance.

Myriad Genetics, Inc.
Classification: Likely benign for Lynch syndrome 5. Last evaluated: 2025-01-07. Review status: criteria provided, single submitter. Criteria: Myriad Autosomal Dominant, Autosomal Recessive and X-Linked Classification Criteria (2023). Collection method: clinical testing. Allele origin: unknown.
Comment: This variant is considered likely benign. This variant has been observed in trans with a known pathogenic variant in one or more individuals lacking clinical features consistent with gene-specific recessive disease.

All of Us Research Program, National Institutes of Health
Classification: Uncertain significance for Lynch syndrome. Last evaluated: 2024-09-23. Review status: criteria provided, single submitter. Criteria: ACMG Guidelines, 2015. Collection method: clinical testing. Allele origin: germline. Inheritance: Autosomal dominant inheritance. Observed: 3 variant alleles, 3 heterozygotes.
Comment: This missense variant replaces glutamic acid with glycine at codon 1187 of the MSH6 protein. Computational prediction suggests that this variant may have deleterious impact on protein structure and function (internally defined REVEL score threshold >= 0.7, PMID: 27666373). To our knowledge, functional studies have not been reported for this variant. This variant has not been reported in individuals affected with MSH6-related disorders in the literature. This variant has been identified in 3/250666 chromosomes in the general population by the Genome Aggregation Database (gnomAD). The available evidence is insufficient to determine the role of this variant in disease conclusively. Therefore, this variant is classified as a Variant of Uncertain Significance.

This study involves interpretation of variants in research participants for the purpose of population health screening. Participant phenotype was not available at the time of variant classification. Additional details can be found in publication PMID: 35346344, PMCID: PMC8962531

St. Jude Molecular Pathology, St. Jude Children's Research Hospital
Classification: Uncertain significance for Lynch syndrome 5. Last evaluated: 2024-08-24. Review status: criteria provided, single submitter. Criteria: St. Jude Assertion Criteria 2020. Collection method: clinical testing. Allele origin: germline.
Comment: The MSH6 c.3560A>G (p.Glu1187Gly) missense change has a maximum subpopulation frequency of 0.003% in gnomAD v2.1.1. The in silico tool REVEL predicts a deleterious effect on protein function, but to our knowledge this prediction has not been confirmed by functional studies. To our knowledge, this variant has not been reported in individuals with Lynch syndrome or constitutional mismatch repair deficiency. In summary, the evidence currently available is insufficient to determine the clinical significance of this variant. It has therefore been classified as of uncertain significance.

Ambry Genetics
Classification: Uncertain significance for Hereditary cancer-predisposing syndrome. Last evaluated: 2024-06-30. Review status: criteria provided, single submitter. Criteria: Ambry Variant Classification Scheme 2023. Collection method: clinical testing. Allele origin: germline.
Comment: The p.E1187G variant (also known as c.3560A>G), located in coding exon 7 of the MSH6 gene, results from an A to G substitution at nucleotide position 3560. The glutamic acid at codon 1187 is replaced by glycine, an amino acid with similar properties. This amino acid position is highly conserved in available vertebrate species. In addition, this alteration is predicted to be deleterious by in silico analysis. Since supporting evidence is limited at this time, the clinical significance of this alteration remains unclear.

Department of Pathology and Laboratory Medicine, Sinai Health System
Classification: Uncertain significance for Lynch syndrome. Last evaluated: 2022-06-15. Review status: criteria provided, single submitter. Criteria: ACMG Guidelines, 2015. Collection method: clinical testing. Allele origin: germline. Affected: yes.

GeneDx
Classification: Uncertain significance. Last evaluated: 2017-11-27. Review status: criteria provided, single submitter. Criteria: GeneDx Variant Classification (06012015). Collection method: clinical testing. Allele origin: germline. Affected: yes.
Comment: This variant is denoted MSH6 c.3560A>G at the cDNA level, p.Glu1187Gly (E1187G) at the protein level, and results in the change of a Glutamic Acid to a Glycine (GAA>GGA). This variant has not, to our knowledge, been published in the literature as pathogenic or benign. MSH6 Glu1187Gly was not observed at a significant allele frequency in large population cohorts (Lek 2016). Since Glutamic Acid and Glycine differ in polarity, charge, size or other properties, this is considered a non-conservative amino acid substitution. MSH6 Glu1187Gly is located in the ATPase domain (Warren 2007, Kansikas 2011). In-silico analyses, including protein predictors and evolutionary conservation, support a deleterious effect. Based on currently available evidence, it is unclear whether MSH6 Glu1187Gly is a pathogenic or benign variant. We consider it to be a variant of uncertain significance.

PreventionGenetics, part of Exact Sciences
Classification: Uncertain significance for MSH6-related condition. Last evaluated: 2024-02-07. Review status: no assertion criteria provided. Collection method: clinical testing. Allele origin: germline. Not counted in ClinVar's aggregate classification.
Comment: The MSH6 c.3560A>G variant is predicted to result in the amino acid substitution p.Glu1187Gly. To our knowledge, this variant has not been reported in the literature. This variant is reported in 0.0026% of alleles in individuals of European (Non-Finnish) descent in gnomAD. This variant is interpreted as uncertain in ClinVar. At this time, the clinical significance of this variant is uncertain due to the absence of conclusive functional and genetic evidence.